The following is an entry in ClinVar:

NM_017882.3(CLN6):c.625C>T (p.Pro209Ser)

Gene: CLN6 (CLN6 transmembrane ER protein; minus strand). Cytogenetic location: 15q23.
Variant type: single nucleotide variant.
Coding change: c.625C>T on transcript NM_017882.3 (MANE Select); coding-DNA position 625, C replaced by T.
Protein change: p.Pro209Ser; replaces proline 209 with serine.
Molecular consequence: missense variant.
Genome position (GRCh38, 1-based): chr15:68,209,677, G>A on the plus strand (C>T on the coding strand, the complement: CLN6 is on the minus strand). VCF-style: chr15-68209677-G-A. GRCh37 (hg19) VCF-style: chr15-68502015-G-A.
Other names: short protein forms P209S.
Identifiers: ClinVar variation 420559 (VCV000420559.4), dbSNP rs1064794559, ClinGen allele CA16620000.

ClinVar aggregate classification (germline): Uncertain significance. Review status: criteria provided, multiple submitters, no conflicts (2 of 4 stars). 2 submissions from 2 submitters: Uncertain significance (2). Last evaluated 2022-08-05.

Conditions:
Neuronal ceroid lipofuscinosis. Also called: Neuronal Ceroid Lipofuscinoses. Identifiers: Orphanet 216, Orphanet 79263, MedGen C0027877, MONDO:0016295. Disease mechanism: loss of function.

Allele frequency attached by ClinVar (database versions not stated): TOPMed below 0.00001.

Submissions (2):

Labcorp Genetics (formerly Invitae), Labcorp
Classification: Uncertain significance for Neuronal ceroid lipofuscinosis. Last evaluated: 2022-08-05. Review status: criteria provided, single submitter. Criteria: Invitae Variant Classification Sherloc (09022015). Collection method: clinical testing. Allele origin: germline.
Comment: This sequence change replaces proline, which is neutral and non-polar, with serine, which is neutral and polar, at codon 209 of the CLN6 protein (p.Pro209Ser). This variant is not present in population databases (gnomAD no frequency). This variant has not been reported in the literature in individuals affected with CLN6-related conditions. ClinVar contains an entry for this variant (Variation ID: 420559). Algorithms developed to predict the effect of missense changes on protein structure and function output the following: SIFT: "Tolerated"; PolyPhen-2: "Benign"; Align-GVGD: "Class C0". The serine amino acid residue is found in multiple mammalian species, which suggests that this missense change does not adversely affect protein function. In summary, the available evidence is currently insufficient to determine the role of this variant in disease. Therefore, it has been classified as a Variant of Uncertain Significance.

GeneDx
Classification: Uncertain significance. Last evaluated: 2016-03-09. Review status: criteria provided, single submitter. Criteria: GeneDx Variant Classification (06012015). Collection method: clinical testing. Allele origin: germline. Affected: yes.
Comment: A variant of uncertain significance has been identified in the CLN6 gene. The P209S variant has not been published as a pathogenic variant, nor has it been reported as a benign variant to our knowledge. It was not observed in approximately 6,500 individuals of European and African American ancestry in the NHLBI Exome Sequencing Project, indicating it is not a common benign variant in these populations. The P209S variant is a non-conservative amino acid substitution, which is likely to impact secondary protein structure as these residues differ in polarity, charge, size, and/or other properties. This substitution alters a position predicted to be within the transmembrane domain of the CLN6 protein; however, this position is not conserved. Additionally, in silico analysis predicts this variant likely does not alter the protein structure/function. Therefore, based on the currently available information, it is unclear whether this variant is a pathogenic variant or a rare benign variant.